The following is an entry in ClinVar:

ClinVar aggregate classification (germline): Uncertain significance (1 of 4 stars; one submission).

Allele frequency attached by ClinVar (database versions not stated): gnomAD 0.00001; gnomAD exomes 0.00001; TOPMed 0.00001; ExAC 0.00003; ESP Exome Variant Server 0.00008.
gnomAD v4.1: 9 of 1,604,798 alleles (0.00056%); highest among the groups gnomAD compares: South Asian, 0.0011%; no homozygotes.

Submission:

Labcorp Genetics (formerly Invitae), Labcorp
Classification: Uncertain significance. Last evaluated: 2023-11-02. Review status: criteria provided, single submitter. Criteria: Invitae Variant Classification Sherloc (09022015). Collection method: clinical testing. Allele origin: germline.
Comment: This sequence change replaces glycine, which is neutral and non-polar, with serine, which is neutral and polar, at codon 50 of the ANKZF1 protein (p.Gly50Ser). This variant also falls at the last nucleotide of exon 2, which is part of the consensus splice site for this exon. This variant is present in population databases (rs373425242, gnomAD 0.004%). This variant has not been reported in the literature in individuals affected with ANKZF1-related conditions. ClinVar contains an entry for this variant (Variation ID: 2061447). An algorithm developed to predict the effect of missense changes on protein structure and function (PolyPhen-2) suggests that this variant is likely to be tolerated. Variants that disrupt the consensus splice site are a relatively common cause of aberrant splicing (PMID: 17576681, 9536098). Algorithms developed to predict the effect of sequence changes on RNA splicing suggest that this variant may disrupt the consensus splice site. In summary, the available evidence is currently insufficient to determine the role of this variant in disease. Therefore, it has been classified as a Variant of Uncertain Significance.

Literature cited by the submitters: PubMed 17576681; PubMed 9536098.

NM_018089.3(ANKZF1):c.148G>A (p.Gly50Ser)

Gene: ANKZF1 (ankyrin repeat and zinc finger peptidyl tRNA hydrolase 1; plus strand). Cytogenetic location: 2q35.
Variant type: single nucleotide variant.
Coding change: c.148G>A on transcript NM_018089.3 (MANE Select); coding-DNA position 148, G replaced by A.
Protein change: p.Gly50Ser; replaces glycine 50 with serine.
Molecular consequence: missense variant. On other transcripts: intron variant (1).
Genome position (GRCh38, 1-based): chr2:219,230,405, G>A. VCF-style: chr2-219230405-G-A. GRCh37 (hg19) VCF-style: chr2-220095127-G-A.
Other names: c.148G>A, p.Gly50Ser (NM_001042410.2); c.-267+505G>A (NM_001282792.2); short protein forms G50S.
Identifiers: ClinVar variation 2061447 (VCV002061447.4), dbSNP rs373425242, ClinGen allele CA2120611.